The following is an entry in ClinVar:

NM_199420.4(POLQ):c.3037A>G (p.Lys1013Glu)

Gene: POLQ (DNA polymerase theta; minus strand). Cytogenetic location: 3q13.33.
Variant type: single nucleotide variant.
Coding change: c.3037A>G on transcript NM_199420.4 (MANE Select); coding-DNA position 3037, A replaced by G.
Protein change: p.Lys1013Glu; replaces lysine 1013 with glutamic acid.
Molecular consequence: missense variant.
Genome position (GRCh38, 1-based): chr3:121,489,894, T>C on the plus strand (A>G on the coding strand, the complement: POLQ is on the minus strand). VCF-style: chr3-121489894-T-C. GRCh37 (hg19) VCF-style: chr3-121208741-T-C.
Other names: short protein forms K1013E.
Identifiers: ClinVar variation 3308608 (VCV003308608.1).
Genomic context (GRCh38, chr3:121,489,894, plus strand): 5'-CTGAATTGAAATTCAAAGGTGCCTTTTTTGTTTTCTGTGAAAAAGTCTGAACAACTTTCT[T>C]ATCACTTGTTTTCCCCTCATTCTGAGAGGCTCCTGGCTTCTCTTTATTTATATCTAAAGA-3'
Protein context (NP_955452.3, residues 1003-1023): ASQNEGKTSD[Lys1013Glu]KVVQTFSQKT

ClinVar aggregate classification (germline): Uncertain significance (1 of 4 stars; one submission).

gnomAD v4.1: 2 of 1,601,070 alleles (0.00012%); highest among the groups gnomAD compares: Non-Finnish European, 0.00017%; no homozygotes.

Submission:

Ambry Genetics
Classification: Uncertain significance. Last evaluated: 2024-03-27. Review status: criteria provided, single submitter. Criteria: Ambry Variant Classification Scheme 2023. Collection method: clinical testing. Allele origin: germline.
Comment: The p.K1013E variant (also known as c.3037A>G), located in coding exon 16 of the POLQ gene, results from an A to G substitution at nucleotide position 3037. The lysine at codon 1013 is replaced by glutamic acid, an amino acid with similar properties. This amino acid position is conserved. In addition, this alteration is predicted to be tolerated by in silico analysis. Based on the available evidence, the clinical significance of this alteration remains unclear.